The following is an entry in ClinVar:

ClinVar aggregate classification (germline): Pathogenic (1 of 4 stars; one submission).

Submission:

Labcorp Genetics (formerly Invitae), Labcorp
Classification: Pathogenic. Last evaluated: 2023-11-17. Review status: criteria provided, single submitter. Criteria: Invitae Variant Classification Sherloc (09022015). Collection method: clinical testing. Allele origin: germline.
Comment: This sequence change creates a premature translational stop signal (p.Asn58Ilefs*52) in the LIFR gene. It is expected to result in an absent or disrupted protein product. Loss-of-function variants in LIFR are known to be pathogenic (PMID: 14740318). This variant is not present in population databases (gnomAD no frequency). This premature translational stop signal has been observed in individual(s) with Stuve-Wiedemann syndrome (PMID: 16969869). ClinVar contains an entry for this variant (Variation ID: 1454788). For these reasons, this variant has been classified as Pathogenic.

Literature cited by the submitters: PubMed 14740318; PubMed 16969869.

NM_001127671.2(LIFR):c.173_176del (p.Asn58fs)

Gene: LIFR (LIF receptor subunit alpha; minus strand). Cytogenetic location: 5p13.1.
Variant type: Deletion.
Coding change: c.173_176del on transcript NM_001127671.2 (MANE Select); coding-DNA positions 173 to 176, 4 bases deleted (ACAA; older notation c.173_176delACAA).
Protein change: p.Asn58fs; shifts the reading frame from asparagine 58.
Molecular consequence: frameshift variant.
Genome position (GRCh38, 1-based): chr5:38,528,807-38,528,810, TTGT deleted on the plus strand (ACAA on the coding strand, the reverse complement: LIFR is on the minus strand); deleting any 4 consecutive bases within chr5:38,528,807-38,528,811 gives the same sequence; the c. name uses the placement nearest the transcript's 3' end. VCF-style (leftmost placement, unchanged base first): chr5-38528806-ATTGT-A. GRCh37 (hg19) VCF-style: chr5-38528908-ATTGT-A.
Other names: c.173_176del, p.Asn58fs (NM_001364297.2, NM_001364298.2, NM_002310.6); short protein forms N58fs.
Identifiers: ClinVar variation 1454788 (VCV001454788.8), dbSNP rs1305269957, ClinGen allele CA810426387.